The following is an entry in ClinVar:

ClinVar aggregate classification (germline): Uncertain significance (1 of 4 stars; one submission).

Allele frequency attached by ClinVar (database versions not stated): gnomAD exomes below 0.00001.
gnomAD v4.1: 1 of 1,613,888 alleles (0.000062%); highest among the groups gnomAD compares: Non-Finnish European, 0.000085%; no homozygotes.

Submission:

GeneDx
Classification: Uncertain significance. Last evaluated: 2017-03-21. Review status: criteria provided, single submitter. Criteria: GeneDx Variant Classification (06012015). Collection method: clinical testing. Allele origin: germline. Affected: yes.
Comment: The N154K variant in the AUTS2 gene has not been reported previously as a pathogenic variant, nor as a benign variant, to our knowledge. The N154K variant is not observed in large population cohorts (Lek et al., 2016). The N154K variant is a semi-conservative amino acid substitution, which may impact secondary protein structure as these residues differ in some properties. This substitution occurs at a position that is conserved across species, however, in silico analysis is inconsistent in its predictions as to whether or not the variant is damaging to the protein structure/function. We interpret N154K as a variant of uncertain significance.

NM_015570.4(AUTS2):c.462T>G (p.Asn154Lys)

Gene: AUTS2 (activator of transcription and developmental regulator AUTS2; plus strand). Cytogenetic location: 7q11.22.
Variant type: single nucleotide variant.
Coding change: c.462T>G on transcript NM_015570.4 (MANE Select); coding-DNA position 462, T replaced by G.
Protein change: p.Asn154Lys; replaces asparagine 154 with lysine.
Molecular consequence: missense variant.
Genome position (GRCh38, 1-based): chr7:69,899,438, T>G. VCF-style: chr7-69899438-T-G. GRCh37 (hg19) VCF-style: chr7-69364424-T-G.
Other names: c.462T>G, p.Asn154Lys (NM_001127231.3, NM_001127232.3); short protein forms N154K.
Identifiers: ClinVar variation 424284 (VCV000424284.2), dbSNP rs1064796898, ClinGen allele CA16618551.